The following is an entry in ClinVar:

ClinVar aggregate classification (germline): Conflicting classifications of pathogenicity. Review status: criteria provided, conflicting classifications (1 of 4 stars). 3 submissions from 3 submitters: Uncertain significance (1); Likely benign (2). Last evaluated 2025-10-23.

Conditions:
Inborn genetic diseases. Identifiers: MedGen C0950123, MeSH D030342.

Allele frequency attached by ClinVar (database versions not stated): ExAC 0.00006; TOPMed 0.00008; gnomAD 0.00011; gnomAD exomes 0.00013.
gnomAD v4.1: 220 of 1,612,798 alleles (0.014%); highest among the groups gnomAD compares: Admixed American, 0.018%; no homozygotes.

Submissions (3):

Women's Health and Genetics/Laboratory Corporation of America, LabCorp
Classification: Uncertain significance. Last evaluated: 2025-10-23. Review status: criteria provided, single submitter. Criteria: LabCorp Variant Classification Summary - May 2015. Collection method: clinical testing. Allele origin: germline.
Comment: Variant summary: PIK3R2 c.404T>C (p.Ile135Thr) results in a non-conservative amino acid change in the encoded protein sequence. Algorithms developed to predict the effect of missense changes on protein structure and function are either unavailable or do not agree on the potential impact of this missense change. The variant allele was found at a frequency of 8e-05 in 249482 control chromosomes. This frequency is not significantly higher than estimated for disease-causing variants in PIK3R2, allowing no conclusion about variant significance. To our knowledge, no occurrence of c.404T>C in individuals affected with PIK3R2-related conditions and no experimental evidence demonstrating its impact on protein function have been reported. ClinVar contains an entry for this variant (Variation ID: 2352378). Based on the evidence outlined above, the variant was classified as uncertain significance.

CeGaT Center for Human Genetics Tuebingen
Classification: Likely benign. Last evaluated: 2024-11-01. Review status: criteria provided, single submitter. Criteria: CeGaT Center For Human Genetics Tuebingen Variant Classification Criteria Version 2. Collection method: clinical testing. Allele origin: germline. Affected: yes. Observed: 1 variant allele.
Comment: PIK3R2: BP4, BS2

Ambry Genetics
Classification: Likely benign for Inborn genetic diseases. Last evaluated: 2022-05-27. Review status: criteria provided, single submitter. Criteria: Ambry Variant Classification Scheme 2023. Collection method: clinical testing. Allele origin: germline.

NM_005027.4(PIK3R2):c.404T>C (p.Ile135Thr)

Gene: PIK3R2 (phosphoinositide-3-kinase regulatory subunit 2; plus strand). Cytogenetic location: 19p13.11.
Variant type: single nucleotide variant.
Coding change: c.404T>C on transcript NM_005027.4 (MANE Select); coding-DNA position 404, T replaced by C.
Protein change: p.Ile135Thr; replaces isoleucine 135 with threonine.
Molecular consequence: missense variant. On other transcripts: non-coding transcript variant (2).
Genome position (GRCh38, 1-based): chr19:18,160,552, T>C. VCF-style: chr19-18160552-T-C. GRCh37 (hg19) VCF-style: chr19-18271362-T-C.
Other names: short protein forms I135T.
Identifiers: ClinVar variation 2352378 (VCV002352378.17), dbSNP rs754613799, ClinGen allele CA9306734.